The following is an entry in ClinVar:

NM_003073.5(SMARCB1):c.815A>G (p.Asn272Ser)

Gene: SMARCB1 (SWI/SNF related BAF chromatin remodeling complex subunit B1; plus strand). Cytogenetic location: 22q11.23.
Variant type: single nucleotide variant.
Coding change: c.815A>G on transcript NM_003073.5 (MANE Select); coding-DNA position 815, A replaced by G.
Protein change: p.Asn272Ser; replaces asparagine 272 with serine.
Molecular consequence: missense variant.
Genome position (GRCh38, 1-based): chr22:23,825,244, A>G. VCF-style: chr22-23825244-A-G. GRCh37 (hg19) VCF-style: chr22-24167431-A-G.
Other names: c.788A>G, p.Asn263Ser (NM_001007468.3); c.842A>G, p.Asn281Ser (NM_001317946.2); c.869A>G, p.Asn290Ser (NM_001362877.2); short protein forms N281S, N263S, N290S, N272S.
Identifiers: ClinVar variation 2452595 (VCV002452595.2), dbSNP rs2517724352, ClinGen allele CA410906839.
Genomic context (GRCh38, chr22:23,825,244, plus strand): 5'-CTGCAAAAGCTCTAACTTGTGTCCTTTGGTTGTTGCCTCAGCTGAACATCCATGTGGGAA[A>G]CATTTCCCTGGTGGACCAGTTTGAGTGGGACATGTCAGAGAAGGAGAACTCACCAGAGAA-3'
Protein context (NP_003064.2, residues 262-282): VIIKLNIHVG[Asn272Ser]ISLVDQFEWD

ClinVar aggregate classification (germline): Uncertain significance (1 of 4 stars; one submission).

Conditions:
Hereditary cancer-predisposing syndrome. Also called: Neoplastic Syndromes, Hereditary; Tumor predisposition; Hereditary neoplastic syndrome; Hereditary Cancer Syndrome. Identifiers: Orphanet 140162, MedGen C0027672, MeSH D009386, MONDO:0015356.

Submission:

Ambry Genetics
Classification: Uncertain significance for Hereditary cancer-predisposing syndrome. Last evaluated: 2023-02-28. Review status: criteria provided, single submitter. Criteria: Ambry Variant Classification Scheme 2023. Collection method: clinical testing. Allele origin: germline.
Comment: The p.N272S variant (also known as c.815A>G), located in coding exon 7 of the SMARCB1 gene, results from an A to G substitution at nucleotide position 815. The asparagine at codon 272 is replaced by serine, an amino acid with highly similar properties. This amino acid position is highly conserved in available vertebrate species. In addition, this alteration is predicted to be tolerated by in silico analysis. Missense and in-frame variants in SMARCB1 are known to cause neurodevelopmental disorders; however, such associations with rhabdoid tumor predisposition syndrome are exceedingly rare (Kosho T et al. Am J Med Genet C Semin Med Genet. 2014 Sep;166C(3):262-75; Eaton KW et al. Pediatr Blood Cancer. 2011 Jan;56(1):7-15). Based on the supporting evidence, the association of this alteration with Coffin-Siris syndrome is unknown; however, the association of this alteration with SMARCB1-related tumor predisposition syndrome is unlikely.